The following is an entry in ClinVar:

NM_032801.5(JAM3):c.680C>T (p.Ser227Leu)

Gene: JAM3 (junctional adhesion molecule 3; plus strand). Cytogenetic location: 11q25.
Variant type: single nucleotide variant.
Coding change: c.680C>T on transcript NM_032801.5 (MANE Select); coding-DNA position 680, C replaced by T.
Protein change: p.Ser227Leu; replaces serine 227 with leucine.
Molecular consequence: missense variant.
Genome position (GRCh38, 1-based): chr11:134,146,013, C>T. VCF-style: chr11-134146013-C-T. GRCh37 (hg19) VCF-style: chr11-134015908-C-T.
Other names: c.527C>T, p.Ser176Leu (NM_001205329.2); c.680C>T (NM_032801.4); short protein forms S176L, S227L.
Identifiers: ClinVar variation 1960650 (VCV001960650.3), dbSNP rs770801809, ClinGen allele CA6370137.

ClinVar aggregate classification (germline): Uncertain significance. Review status: criteria provided, multiple submitters, no conflicts (2 of 4 stars). 2 submissions from 2 submitters: Uncertain significance (2). Last evaluated 2024-12-15.

Conditions:
Inborn genetic diseases. Identifiers: MedGen C0950123, MeSH D030342.

Allele frequency attached by ClinVar (database versions not stated): ExAC 0.00001; gnomAD exomes 0.00001; TOPMed 0.00001.
gnomAD v4.1: 8 of 1,614,114 alleles (0.0005%); highest among the groups gnomAD compares: Admixed American, 0.005%; no homozygotes.

Submissions (2):

Ambry Genetics
Classification: Uncertain significance for Inborn genetic diseases. Last evaluated: 2024-12-15. Review status: criteria provided, single submitter. Criteria: Ambry Variant Classification Scheme 2023. Collection method: clinical testing. Allele origin: germline.

Labcorp Genetics (formerly Invitae), Labcorp
Classification: Uncertain significance. Last evaluated: 2022-08-21. Review status: criteria provided, single submitter. Criteria: Invitae Variant Classification Sherloc (09022015). Collection method: clinical testing. Allele origin: germline.
Comment: This sequence change replaces serine, which is neutral and polar, with leucine, which is neutral and non-polar, at codon 227 of the JAM3 protein (p.Ser227Leu). This variant is present in population databases (rs770801809, gnomAD 0.006%). This variant has not been reported in the literature in individuals affected with JAM3-related conditions. Algorithms developed to predict the effect of missense changes on protein structure and function (SIFT, PolyPhen-2, Align-GVGD) all suggest that this variant is likely to be tolerated. In summary, the available evidence is currently insufficient to determine the role of this variant in disease. Therefore, it has been classified as a Variant of Uncertain Significance.